The following is an entry in ClinVar:

NM_000368.5(TSC1):c.1538del (p.Pro513fs)

Gene: TSC1 (TSC complex subunit 1; minus strand). Cytogenetic location: 9q34.13.
Variant type: Deletion.
Coding change: c.1538del on transcript NM_000368.5 (MANE Select); coding-DNA position 1538, one base deleted (C; older notation c.1538delC).
Protein change: p.Pro513fs; shifts the reading frame from proline 513.
Molecular consequence: frameshift variant. On other transcripts: non-coding transcript variant (5).
Genome position (GRCh38, 1-based): chr9:132,906,040, G deleted on the plus strand (C on the coding strand, the reverse complement: TSC1 is on the minus strand); the first of 3 consecutive G bases (chr9:132,906,040-132,906,042); deleting any one gives the same sequence. VCF-style (leftmost placement, unchanged base first): chr9-132906039-TG-T. GRCh37 (hg19) VCF-style: chr9-135781426-TG-T.
Other names: c.1536delC, p.Pro513Glnfs (NM_000368.4); c.1535del, p.Pro512fs (NM_001162426.2, NM_001406597.1, NM_001406598.1 and 6 more transcripts); c.1385del, p.Pro462fs (NM_001162427.2, NM_001406610.1); c.1175del, p.Pro392fs (NM_001362177.2, NM_001406614.1, NM_001406615.1 and 5 more transcripts); c.1538del, p.Pro513fs (NM_001406592.1, NM_001406593.1, NM_001406594.1 and 7 more transcripts); c.1382del, p.Pro461fs (NM_001406611.1, NM_001406612.1, NM_001406613.1); c.1172del, p.Pro391fs (NM_001406620.1, NM_001406621.1, NM_001406622.1 and 2 more transcripts); c.587del, p.Pro196fs (NM_001406626.1); and 2 more; short protein forms P162fs, P195fs, P196fs, P391fs, P392fs, P461fs, P462fs, P512fs.
Identifiers: ClinVar variation 3770214 (VCV003770214.1).

ClinVar aggregate classification (germline): Pathogenic (1 of 4 stars; one submission).

Conditions:
Tuberous sclerosis 1 (TSC1). Identifiers: Orphanet 805, MedGen C1854465, MONDO:0008612, OMIM 191100.

Submission:

Department of Neurology, Zibo Changguo Hospital
Classification: Pathogenic for Tuberous sclerosis 1. Last evaluated: 2025-01-10. Review status: criteria provided, single submitter. Criteria: ACMG Guidelines, 2015. Collection method: clinical testing. Allele origin: paternal. Inheritance: Autosomal dominant inheritance. Affected: yes.
Comment: PVS1, PM2_Supporting, PP4